The following is an entry in ClinVar:

ClinVar aggregate classification (germline): Pathogenic. Review status: criteria provided, multiple submitters, no conflicts (2 of 4 stars). 2 submissions from 2 submitters: Pathogenic (2). Last evaluated 2020-01-16.

Conditions:
Cardiovascular phenotype. Identifiers: MedGen CN230736.

Submissions (2):

GeneDx
Classification: Pathogenic. Last evaluated: 2020-01-16. Review status: criteria provided, single submitter. Criteria: GeneDx Variant Classification Process June 2021. Collection method: clinical testing. Allele origin: germline. Affected: yes.
Comment: Has been reported as Leu901fs (due to alternative nomenclature) in association with HCM (Harris et al., 2011), and in association with DCM (Zimmerman et al., 2010); Frameshift variant predicted to result in protein truncation or nonsense mediated decay in a gene for which loss-of-function is a known mechanism of disease; Not observed in large population cohorts (Lek et al., 2016); This variant is associated with the following publications: (PMID: 21415409, 20474083)

Ambry Genetics
Classification: Pathogenic for Cardiovascular phenotype. Last evaluated: 2019-10-15. Review status: criteria provided, single submitter. Criteria: Ambry Variant Classification Scheme 2023. Collection method: clinical testing. Allele origin: germline.
Comment: The c.2700_2703dupCCTG pathogenic mutation, located in coding exon 26 of the MYBPC3 gene, results from a duplication of CCTG at nucleotide position 2700, causing a translational frameshift with a predicted alternate stop codon (p.D902Pfs*150). This variant has been reported (as Leu901fs) in association with hypertrophic cardiomyopathy, although clinical details were limited (Harris SP et al. Circ. Res., 2011 Mar;108:751-64). This alteration is expected to result in loss of function by premature protein truncation or nonsense-mediated mRNA decay. As such, this alteration is interpreted as a disease-causing mutation.

Literature cited by the submitters: PubMed 20474083 (cited by Ambry Genetics); PubMed 21415409 (cited by Ambry Genetics).

NM_000256.3(MYBPC3):c.2700_2703dup (p.Asp902fs)

Gene: MYBPC3 (myosin binding protein C3; minus strand). Cytogenetic location: 11p11.2.
Variant type: Duplication.
Coding change: c.2700_2703dup on transcript NM_000256.3 (MANE Select); coding-DNA positions 2700 to 2703, 4 bases duplicated (CCTG; older notation c.2700_2703dupCCTG).
Protein change: p.Asp902fs; shifts the reading frame from aspartic acid 902.
Molecular consequence: frameshift variant.
Genome position (GRCh38, 1-based): chr11:47,335,911-47,335,914, CAGG duplicated on the plus strand (CCTG on the coding strand, the reverse complement: MYBPC3 is on the minus strand); duplicating any 4 consecutive bases within chr11:47,335,911-47,335,915 gives the same sequence; the c. name uses the placement nearest the transcript's 3' end. VCF-style (leftmost placement, unchanged base first): chr11-47335910-C-CCAGG. GRCh37 (hg19) VCF-style: chr11-47357461-C-CCAGG.
Other names: c.2700_2703dupCCTG (NM_000256.3); c.2700_2703dup, p.Asp902fs (LRG_386t1); short protein forms D902fs.
Identifiers: ClinVar variation 418750 (VCV000418750.6), dbSNP rs1555120927, ClinGen allele CA16619336.
Genomic context (GRCh38, chr11:47,335,910, plus strand): 5'-AGGGGGGTTGGGGGCGGGGACACTCACAGCCCTCTGGGCAGTACTCCACGCTGTAGCCAT[C>CCAGG]CAGGCCTCCTGCTCCCACGCGCTCTGGGGGCCGCCACTTGAGGGAGACCGTGGTGTCAGA-3'